The following is an entry in ClinVar:

ClinVar aggregate classification (germline): Likely benign. Review status: criteria provided, multiple submitters, no conflicts (2 of 4 stars). 2 submissions from 2 submitters: Likely benign (2). Last evaluated 2025-05-13.

Conditions:
Familial cancer of breast. Also called: Hereditary breast cancer; BREAST CANCER, FAMILIAL; hereditary breast carcinoma. Identifiers: Orphanet 227535, MedGen C0346153, MONDO:0016419, OMIM 114480. Disease mechanism: loss of function.

Submissions (2):

Labcorp Genetics (formerly Invitae), Labcorp
Classification: Likely benign for Familial cancer of breast. Last evaluated: 2025-05-13. Review status: criteria provided, single submitter. Criteria: Invitae Variant Classification Sherloc (09022015). Collection method: clinical testing. Allele origin: germline.

Myriad Genetics, Inc.
Classification: Likely benign for Familial cancer of breast. Last evaluated: 2024-10-04. Review status: criteria provided, single submitter. Criteria: Myriad Autosomal Dominant, Autosomal Recessive and X-Linked Classification Criteria (2023). Collection method: clinical testing. Allele origin: unknown.
Comment: This variant is considered likely benign. This variant is intronic and is not expected to impact mRNA splicing.

NM_007194.4(CHEK2):c.909-13C>T

Gene: CHEK2 (checkpoint kinase 2; minus strand). Cytogenetic location: 22q12.1.
Variant type: single nucleotide variant.
Coding change: c.909-13C>T on transcript NM_007194.4 (MANE Select); 13 bases into the intron before coding-DNA position 909, C replaced by T.
Molecular consequence: intron variant.
Genome position (GRCh38, 1-based): chr22:28,699,950, G>A on the plus strand (C>T on the coding strand, the complement: CHEK2 is on the minus strand). VCF-style: chr22-28699950-G-A. GRCh37 (hg19) VCF-style: chr22-29095938-G-A.
Other names: c.246-13C>T (NM_001437942.1, NM_001257387.3); c.708-13C>T (NM_001349956.3); c.909-13C>T (NM_145862.3); c.1002-13C>T (NM_001438295.1, NM_001438293.1); c.1038-13C>T (NM_001438294.1, NM_001005735.3).
Identifiers: ClinVar variation 3772784 (VCV003772784.2).
Genomic context (GRCh38, chr22:28,699,950, plus strand): 5'-AGGCGTTTATTCCCCACCACTTTGTCAAACAGCTCTCCCCCTTCCATCCTGAAACACAAA[G>A]GCAAGGCAAGGGGTTCATTCCTGGGGGAAAACGCACTTGGACAGAAGACAATAAAACAAC-3'